The following is an entry in ClinVar:

NM_001039111.3(TRIM71):c.237C>T (p.Gly79=)

Gene: TRIM71 (tripartite motif containing 71; plus strand). Cytogenetic location: 3p22.3.
Variant type: single nucleotide variant.
Coding change: c.237C>T on transcript NM_001039111.3 (MANE Select); coding-DNA position 237, C replaced by T.
Protein change: p.Gly79=; no amino-acid change (glycine 79 retained).
Molecular consequence: synonymous variant.
Genome position (GRCh38, 1-based): chr3:32,818,317, C>T. VCF-style: chr3-32818317-C-T. GRCh37 (hg19) VCF-style: chr3-32859809-C-T.
Identifiers: ClinVar variation 712982 (VCV000712982.10), dbSNP rs908592994, ClinGen allele CA72634238.

ClinVar aggregate classification (germline): Likely benign. Review status: criteria provided, multiple submitters, no conflicts (2 of 4 stars). 3 submissions from 3 submitters: Likely benign (3). Last evaluated 2025-10-01.

Allele frequency attached by ClinVar (database versions not stated): gnomAD exomes 0.00022; 1000 Genomes Project 30x 0.00203; gnomAD 0.00237 and 0.00264; TOPMed 0.00257.
gnomAD v4.1: 642 of 1,436,742 alleles (0.045%); highest among the groups gnomAD compares: African/African-American, 0.82%; 2 homozygotes.

Submissions (3):

CeGaT Center for Human Genetics Tuebingen
Classification: Likely benign. Last evaluated: 2025-10-01. Review status: criteria provided, single submitter. Criteria: CeGaT Center For Human Genetics Tuebingen Variant Classification Criteria Version 2. Collection method: clinical testing. Allele origin: germline. Affected: yes. Observed: 1 variant allele.
Comment: TRIM71: BP4, BP7

Labcorp Genetics (formerly Invitae), Labcorp
Classification: Likely benign. Last evaluated: 2018-07-16. Review status: criteria provided, single submitter. Criteria: Invitae Variant Classification Sherloc (09022015). Collection method: clinical testing. Allele origin: germline.

Breakthrough Genomics
Classification: Likely benign. Review status: criteria provided, single submitter. Criteria: ACMG Guidelines, 2015. Collection method: not provided. Allele origin: germline. Inheritance: Autosomal dominant inheritance. Affected: yes.